The following is an entry in ClinVar:

NM_006214.4(PHYH):c.811del (p.Thr271fs)

Gene: PHYH (phytanoyl-CoA 2-hydroxylase; minus strand). Cytogenetic location: 10p13.
Variant type: Deletion.
Coding change: c.811del on transcript NM_006214.4 (MANE Select); coding-DNA position 811, one base deleted (A; older notation c.811delA).
Protein change: p.Thr271fs; shifts the reading frame from threonine 271.
Molecular consequence: frameshift variant.
Genome position (GRCh38, 1-based): chr10:13,283,707, T deleted on the plus strand (A on the coding strand, the reverse complement: PHYH is on the minus strand); the first of 4 consecutive T bases (chr10:13,283,707-13,283,710); deleting any one gives the same sequence. VCF-style (leftmost placement, unchanged base first): chr10-13283706-GT-G. GRCh37 (hg19) VCF-style: chr10-13325706-GT-G.
Other names: c.511del, p.Thr171fs (NM_001037537.2, NM_001323080.2); c.817del, p.Thr273fs (NM_001323082.2); c.547del, p.Thr183fs (NM_001323083.2); c.517del, p.Thr173fs (NM_001323084.2); short protein forms T171fs, T173fs, T183fs, T271fs, T273fs.
Identifiers: ClinVar variation 1698840 (VCV001698840.6), dbSNP rs2131634446, ClinGen allele CA2018072149.

ClinVar aggregate classification (germline): Pathogenic/Likely pathogenic. Review status: criteria provided, multiple submitters, no conflicts (2 of 4 stars). 3 submissions from 3 submitters: Pathogenic (1); Likely pathogenic (2). Last evaluated 2024-02-08.

Conditions:
Refsum disease, classic. Also called: PHYH-Related Refsum Disease; HEREDOPATHIA ATACTICA POLYNEURITIFORMIS; HMSN IV; PHYTANIC ACID OXIDASE DEFICIENCY. Identifiers: Orphanet 773, MedGen C5780941, MONDO:1060256, OMIM 266500. Disease mechanism: loss of function.

Submissions (3):

Labcorp Genetics (formerly Invitae), Labcorp
Classification: Pathogenic. Last evaluated: 2024-02-08. Review status: criteria provided, single submitter. Criteria: Invitae Variant Classification Sherloc (09022015). Collection method: clinical testing. Allele origin: germline.
Comment: This sequence change creates a premature translational stop signal (p.Thr271Profs*22) in the PHYH gene. It is expected to result in an absent or disrupted protein product. Loss-of-function variants in PHYH are known to be pathogenic (PMID: 9326940, 14974078). This variant is not present in population databases (gnomAD no frequency). This variant has not been reported in the literature in individuals affected with PHYH-related conditions. ClinVar contains an entry for this variant (Variation ID: 1698840). For these reasons, this variant has been classified as Pathogenic.

Baylor Genetics
Classification: Likely pathogenic for Refsum disease, classic. Last evaluated: 2023-06-20. Review status: criteria provided, single submitter. Criteria: ACMG Guidelines, 2015. Collection method: clinical testing. Allele origin: unknown.

Genetics and Molecular Pathology, SA Pathology
Classification: Likely pathogenic for Refsum disease, classic. Last evaluated: 2021-08-19. Review status: criteria provided, single submitter. Criteria: ACMG Guidelines, 2015. Collection method: clinical testing. Allele origin: germline. Affected: yes.

Literature cited by the submitters: PubMed 9326940 (cited by Labcorp Genetics (formerly Invitae), Labcorp); PubMed 14974078 (cited by Labcorp Genetics (formerly Invitae), Labcorp).